The following is an entry in ClinVar:

NM_152564.5(VPS13B):c.7528C>T (p.Arg2510Ter)

Gene: VPS13B (vacuolar protein sorting 13 homolog B; plus strand). Cytogenetic location: 8q22.2.
Variant type: single nucleotide variant.
Coding change: c.7528C>T on transcript NM_152564.5 (MANE Select); coding-DNA position 7528, C replaced by T.
Protein change: p.Arg2510Ter; replaces arginine 2510 with a stop codon.
Molecular consequence: nonsense.
Genome position (GRCh38, 1-based): chr8:99,778,780, C>T. VCF-style: chr8-99778780-C-T. GRCh37 (hg19) VCF-style: chr8-100791008-C-T.
Other names: c.7603C>T, p.Arg2535Ter (NM_017890.5); short protein forms R2535*, R2510*.
Identifiers: ClinVar variation 56688 (VCV000056688.15), dbSNP rs386834107, ClinGen allele CA264121.

ClinVar aggregate classification (germline): Pathogenic. Review status: criteria provided, multiple submitters, no conflicts (2 of 4 stars). 6 submissions from 6 submitters: Pathogenic (5). 1 of the submissions does not count toward it. Last evaluated 2026-01-22.

Conditions:
VPS13B-related disorder. Also called: VPS13B-related condition.
Cohen syndrome (COH1). Also called: PEPPER SYNDROME; Cutis verticis gyrata, retinitis pigmentosa, and sensorineural deafness. Identifiers: Orphanet 193, MedGen C0265223, MONDO:0008999, OMIM 216550.

Allele frequency attached by ClinVar (database versions not stated): gnomAD exomes below 0.00001; gnomAD 0.00001; TOPMed 0.00001.
gnomAD v4.1: 4 of 1,613,800 alleles (0.00025%); highest among the groups gnomAD compares: South Asian, 0.0011%; no homozygotes.

Submissions (6):

Variantyx, Inc.
Classification: Pathogenic for Cohen syndrome. Last evaluated: 2026-01-22. Review status: criteria provided, single submitter. Criteria: Variantyx Assertion Criteria 2022. Collection method: clinical testing. Allele origin: germline. Inheritance: Autosomal recessive inheritance. Affected: yes.
Comment: This is a nonsense variant in the VPS13B gene (OMIM: 607817). Pathogenic variants in this gene have been associated with autosomal recessive Cohen syndrome. This variant introduces a premature termination codon in exon 42 out of 62 and is expected to result in loss of function, which is a known disease mechanism for VPS13B in this disorder (PMID: 15141358, 16648375, 20461111) (PVS1). This variant has been identified in the homozygous or compound heterozygous state in at least 3 individuals reported in the published literature (PMID: 15154116, 40510848, 17990063) (PM3) and has a 0.0011% maximum allele frequency in non-founder control populations (PM2). Based on the current evidence, this variant is classified as pathogenic for autosomal recessive Cohen syndrome.

Labcorp Genetics (formerly Invitae), Labcorp
Classification: Pathogenic for Cohen syndrome. Last evaluated: 2025-12-16. Review status: criteria provided, single submitter. Criteria: Invitae Variant Classification Sherloc (09022015). Collection method: clinical testing. Allele origin: germline.
Comment: This sequence change creates a premature translational stop signal (p.Arg2535*) in the VPS13B gene. It is expected to result in an absent or disrupted protein product. Loss-of-function variants in VPS13B are known to be pathogenic (PMID: 15141358, 16648375, 20461111). This variant is not present in population databases (gnomAD no frequency). This premature translational stop signal has been observed in individual(s) with Cohen syndrome (PMID: 15154116, 17990063). ClinVar contains an entry for this variant (Variation ID: 56688). For these reasons, this variant has been classified as Pathogenic.

Natera, Inc.
Classification: Pathogenic for Cohen syndrome. Last evaluated: 2024-07-30. Review status: criteria provided, single submitter. Criteria: Natera Variant Classification Schema (03/2026). Collection method: clinical testing. Allele origin: germline.
Comment: The c.7603C>T variant in VPS13B is a nonsense variant predicted to introduce a stop codon at amino acid 2535. This variant is expected to result in nonsense mediated decay, truncation, or a dysfunctional protein product. This variant is rare in the general population with a frequency below the threshold expected for the associated phenotype(s). This variant has been observed in one or more individuals affected with the associated recessive disease, as either homozygous or compound heterozygous with a second variant (PMID: 17990063, 15154116). Given the available evidence, this variant is classified as Pathogenic.

Blueprint Genetics
Classification: Pathogenic for VPS13B-related disorders. Last evaluated: 2020-09-21. Review status: criteria provided, single submitter. Criteria: ACMG Guidelines, 2015. Collection method: clinical testing. Allele origin: germline. Affected: yes. Observed: 2 variant alleles.

Women's Health and Genetics/Laboratory Corporation of America, LabCorp
Classification: Pathogenic for Cohen syndrome. Last evaluated: 2020-07-12. Review status: criteria provided, single submitter. Criteria: LabCorp Variant Classification Summary - May 2015. Collection method: clinical testing. Allele origin: germline.
Comment: Variant summary: VPS13B c.7603C>T (p.Arg2535X) results in a premature termination codon, predicted to cause a truncation of the encoded protein or absence of the protein due to nonsense mediated decay, which are commonly known mechanisms for disease. Truncations downstream of this position have been classified as pathogenic by our laboratory. The variant was absent in 250962 control chromosomes. c.7603C>T has been reported in the literature in individuals affected with Cohen Syndrome (examples: Hennies_2004, Katzaki_2007). These data indicate that the variant is likely associated with disease. To our knowledge, no experimental evidence demonstrating an impact on protein function has been reported. No clinical diagnostic laboratories have submitted clinical-significance assessments for this variant to ClinVar after 2014. Based on the evidence outlined above, the variant was classified as pathogenic.

Juha Muilu Group; Institute for Molecular Medicine Finland (FIMM)
Classification: Likely pathogenic for Cohen syndrome. Review status: no assertion criteria provided. Collection method: not provided. Allele origin: unknown. Not counted in ClinVar's aggregate classification.
Comment: FinDis database variant: This variant was not found or characterized by our laboratory, data were collected from public sources: see reference
ClinVar note: Converted during submission from probable-pathogenic to Likely pathogenic.

Literature cited by the submitters: PubMed 15141358 (cited by Variantyx, Inc. and Labcorp Genetics (formerly Invitae), Labcorp); PubMed 16648375 (cited by Variantyx, Inc. and Labcorp Genetics (formerly Invitae), Labcorp); PubMed 20461111 (cited by Variantyx, Inc. and Labcorp Genetics (formerly Invitae), Labcorp); PubMed 15154116 (cited by 4 submitters); PubMed 40510848 (cited by Variantyx, Inc.); PubMed 17990063 (cited by 4 submitters); PubMed 19006247 (cited by Women's Health and Genetics/Laboratory Corporation of America, LabCorp); PubMed 16917849 (cited by Women's Health and Genetics/Laboratory Corporation of America, LabCorp).